The following is an entry in ClinVar:

ClinVar aggregate classification (germline): Uncertain significance (1 of 4 stars; one submission).

Conditions:
Haddad syndrome (OHD). Also called: Ondine-Hirschsprung disease. Identifiers: Orphanet 99803, MedGen C1859049, MONDO:0020493.

Submission:

Labcorp Genetics (formerly Invitae), Labcorp
Classification: Uncertain significance for Haddad syndrome. Last evaluated: 2021-12-11. Review status: criteria provided, single submitter. Criteria: Invitae Variant Classification Sherloc (09022015). Collection method: clinical testing. Allele origin: germline.
Comment: This sequence change replaces leucine, which is neutral and non-polar, with valine, which is neutral and non-polar, at codon 26 of the PHOX2B protein (p.Leu26Val). This variant is not present in population databases (gnomAD no frequency). This variant has not been reported in the literature in individuals affected with PHOX2B-related conditions. Algorithms developed to predict the effect of missense changes on protein structure and function are either unavailable or do not agree on the potential impact of this missense change (SIFT: "Deleterious"; PolyPhen-2: "Benign"; Align-GVGD: "Class C25"). In summary, the available evidence is currently insufficient to determine the role of this variant in disease. Therefore, it has been classified as a Variant of Uncertain Significance.

NM_003924.4(PHOX2B):c.76C>G (p.Leu26Val)

Genes: PHOX2B (paired like homeobox 2B; minus strand), PHOX2B-AS1 (PHOX2B antisense RNA 1; plus strand). Cytogenetic location: 4p13.
Variant type: single nucleotide variant.
Coding change: c.76C>G on transcript NM_003924.4 (MANE Select); coding-DNA position 76, C replaced by G.
Protein change: p.Leu26Val; replaces leucine 26 with valine.
Molecular consequence: missense variant.
Genome position (GRCh38, 1-based): chr4:41,748,535, G>C on the plus strand (C>G on the coding strand, the complement: PHOX2B is on the minus strand). VCF-style: chr4-41748535-G-C. GRCh37 (hg19) VCF-style: chr4-41750552-G-C.
Other names: short protein forms L26V.
Identifiers: ClinVar variation 1396784 (VCV001396784.6), dbSNP rs1358966233, ClinGen allele CA356741142.